The following is an entry in ClinVar:

NM_017841.4(SDHAF2):c.44dup (p.Leu16fs)

Gene: SDHAF2 (succinate dehydrogenase complex assembly factor 2; plus strand). Cytogenetic location: 11q12.2.
Variant type: Duplication.
Coding change: c.44dup on transcript NM_017841.4 (MANE Select); coding-DNA position 44, one base duplicated (C; older notation c.44dupC).
Protein change: p.Leu16fs; shifts the reading frame from leucine 16.
Molecular consequence: frameshift variant.
Genome position (GRCh38, 1-based): chr11:61,437,632, C duplicated. VCF-style (leftmost placement, unchanged base first): chr11-61437631-G-GC. GRCh37 (hg19) VCF-style: chr11-61205103-G-GC.
Other names: c.44dupC (NM_017841.2); short protein forms L16fs.
Identifiers: ClinVar variation 3951377 (VCV003951377.1).

ClinVar aggregate classification (germline): Likely pathogenic (1 of 4 stars; one submission).

Conditions:
Hereditary cancer-predisposing syndrome. Also called: Tumor predisposition; Hereditary neoplastic syndrome; Hereditary Cancer Syndrome; Neoplastic Syndromes, Hereditary. Identifiers: Orphanet 140162, MedGen C0027672, MeSH D009386, MONDO:0015356.

Submission:

Ambry Genetics
Classification: Likely pathogenic for Hereditary cancer-predisposing syndrome. Last evaluated: 2025-05-30. Review status: criteria provided, single submitter. Criteria: Ambry Variant Classification Scheme 2023. Collection method: clinical testing. Allele origin: germline.
Comment: The c.44dupC variant, located in coding exon 2 of the SDHAF2 gene, results from a duplication of C at nucleotide position 44, causing a translational frameshift with a predicted alternate stop codon (p.L16Sfs*23). The predicted stop codon occurs in the 5&rsquo; end of theSDHAF2 gene. Premature termination codons in the 5&rsquo; end of a gene have been reported to escape nonsense-mediated mRNAdecay and/or lead to re-initiation (Rivas et al. Science. 2015 May 8;348(6235):666-9; Lindeboom et al. Nat Genet. 2016 Oct;48(10):1112-8; Rhee et al. Sci Rep. 2017 May 10;7(1):1653). Direct evidence for this alteration is unavailable, however premature termination codons are typically deleterious in nature. This variant is considered to be rare based on population cohorts in the Genome Aggregation Database (gnomAD). Based on the majority of available evidence to date, this variant is likely to be pathogenic.